The following is an entry in ClinVar:

NC_000011.9:g.(?_532636)_(644674_?)dup

Genes: CDHR5 (cadherin related family member 5; minus strand), DEAF1 (DEAF1 transcription factor; minus strand), DRD4 (dopamine receptor D4; plus strand), HRAS (HRas proto-oncogene, GTPase; minus strand), IRF7 (interferon regulatory factor 7; minus strand) and 8 more. Cytogenetic location: 11p15.5.
Variant type: Duplication.
Identifiers: ClinVar variation 3244779 (VCV003244779.1).

ClinVar aggregate classification (germline): Uncertain significance (1 of 4 stars; one submission).

Submission:

Labcorp Genetics (formerly Invitae), Labcorp
Classification: Uncertain significance. Last evaluated: 2024-01-10. Review status: criteria provided, single submitter. Criteria: Invitae Variant Classification Sherloc (09022015). Collection method: clinical testing. Allele origin: unknown.
Comment: This variant results in a copy number gain of the genomic region encompassing exon(s) 12 of the DEAF1 gene. This region includes the termination codon of the gene. This copy number gain extends beyond the assayed region for this gene and therefore may encompass additional genes. As the precise location of this event is unknown, it may be in tandem or it may be located elsewhere in the genome. This variant has not been reported in the literature in individuals affected with DEAF1-related conditions. In summary, the available evidence is currently insufficient to determine the role of this variant in disease. Therefore, it has been classified as a Variant of Uncertain Significance.